The following is an entry in ClinVar:

NM_004360.5(CDH1):c.714C>T (p.Asn238=)

Gene: CDH1 (cadherin 1; plus strand). Cytogenetic location: 16q22.1.
Variant type: single nucleotide variant.
Coding change: c.714C>T on transcript NM_004360.5 (MANE Select); coding-DNA position 714, C replaced by T.
Protein change: p.Asn238=; no amino-acid change (asparagine 238 retained).
Molecular consequence: synonymous variant. On other transcripts: 5 prime UTR variant (2).
Genome position (GRCh38, 1-based): chr16:68,810,223, C>T. VCF-style: chr16-68810223-C-T. GRCh37 (hg19) VCF-style: chr16-68844126-C-T.
Other names: c.714C>T (LRG_301t1); c.714C>T, p.Asn238= (NM_001317184.2); c.-902C>T (NM_001317185.2); c.-1106C>T (NM_001317186.2).
Identifiers: ClinVar variation 377638 (VCV000377638.24), dbSNP rs780297063, ClinGen allele CA8129923.
Genomic context (GRCh38, chr16:68,810,223, plus strand): 5'-CAGAGCTCAAGTCACCCTCACTTGGTTCTTTCAGCTCTTCTCTCACGCTGTGTCATCCAA[C>T]GGGAATGCAGTTGAGGATCCAATGGAGATTTTGATCACGGTAACCGATCAGAATGACAAC-3'
Protein context (NP_004351.1, residues 228-248): YTLFSHAVSS[Asn238=]GNAVEDPMEI

ClinVar aggregate classification (germline): Benign/Likely benign. Review status: criteria provided, multiple submitters, no conflicts (2 of 4 stars). 7 submissions from 7 submitters: Benign (1); Likely benign (6). Last evaluated 2026-02-02.

Conditions:
Breast and/or ovarian cancer. Identifiers: MedGen CN221562.
Hereditary cancer-predisposing syndrome. Also called: Hereditary neoplastic syndrome; Tumor predisposition; Neoplastic Syndromes, Hereditary; Hereditary Cancer Syndrome. Identifiers: Orphanet 140162, MedGen C0027672, MeSH D009386, MONDO:0015356.
Hereditary diffuse gastric adenocarcinoma (HDGC). Also called: DIFFUSE GASTRIC AND LOBULAR BREAST CANCER SYNDROME. Identifiers: Orphanet 26106, MedGen C1708349, MONDO:0007648, OMIM 137215.

Allele frequency attached by ClinVar (database versions not stated): gnomAD exomes 0.00001 and 0.00003; TOPMed 0.00001; ExAC 0.00002; gnomAD 0.00003.
gnomAD v4.1: 15 of 1,614,102 alleles (0.00093%); highest among the groups gnomAD compares: South Asian, 0.0044%; no homozygotes.

Submissions (7):

Labcorp Genetics (formerly Invitae), Labcorp
Classification: Likely benign for Hereditary diffuse gastric adenocarcinoma. Last evaluated: 2026-02-02. Review status: criteria provided, single submitter. Criteria: Invitae Variant Classification Sherloc (09022015). Collection method: clinical testing. Allele origin: germline.

Myriad Genetics, Inc.
Classification: Benign for Hereditary diffuse gastric adenocarcinoma. Last evaluated: 2024-09-13. Review status: criteria provided, single submitter. Criteria: Myriad Autosomal Dominant, Autosomal Recessive and X-Linked Classification Criteria (2023). Collection method: clinical testing. Allele origin: unknown.
Comment: This variant is considered benign. This variant is a silent/synonymous amino acid change and it is not expected to impact splicing.

CHEO Genetics Diagnostic Laboratory, Children's Hospital of Eastern Ontario
Classification: Likely benign for Breast and/or ovarian cancer. Last evaluated: 2023-06-12. Review status: criteria provided, single submitter. Criteria: ACMG Guidelines, 2015. Collection method: clinical testing. Allele origin: germline.

GeneDx
Classification: Likely benign. Last evaluated: 2021-03-15. Review status: criteria provided, single submitter. Criteria: GeneDx Variant Classification Process June 2021. Collection method: clinical testing. Allele origin: germline. Affected: yes.

Color Diagnostics, LLC DBA Color Health
Classification: Likely benign for Hereditary cancer-predisposing syndrome. Last evaluated: 2016-10-12. Review status: criteria provided, single submitter. Criteria: ACMG Guidelines, 2015. Collection method: clinical testing. Allele origin: germline.

Ambry Genetics
Classification: Likely benign for Hereditary cancer-predisposing syndrome. Last evaluated: 2015-10-20. Review status: criteria provided, single submitter. Criteria: Ambry Variant Classification Scheme 2023. Collection method: clinical testing. Allele origin: germline.

Breakthrough Genomics
Classification: Likely benign. Review status: criteria provided, single submitter. Criteria: ACMG Guidelines, 2015. Collection method: not provided. Allele origin: germline. Inheritance: Autosomal dominant inheritance. Affected: yes.